The following is an entry in ClinVar:

NM_006379.5(SEMA3C):c.319G>A (p.Asp107Asn)

Gene: SEMA3C (semaphorin 3C; minus strand). Cytogenetic location: 7q21.11.
Variant type: single nucleotide variant.
Coding change: c.319G>A on transcript NM_006379.5 (MANE Select); coding-DNA position 319, G replaced by A.
Protein change: p.Asp107Asn; replaces aspartic acid 107 with asparagine.
Molecular consequence: missense variant.
Genome position (GRCh38, 1-based): chr7:80,827,433, C>T on the plus strand (G>A on the coding strand, the complement: SEMA3C is on the minus strand). VCF-style: chr7-80827433-C-T. GRCh37 (hg19) VCF-style: chr7-80456749-C-T.
Other names: c.373G>A, p.Asp125Asn (NM_001350120.2); c.145G>A, p.Asp49Asn (NM_001350121.2); short protein forms D107N, D125N, D49N.
Identifiers: ClinVar variation 4986349 (VCV004986349.1).

ClinVar aggregate classification (germline): Uncertain significance (1 of 4 stars; one submission).

Conditions:
SEMA3C-related disorder. Also called: SEMA3C-related condition.

Submission:

PreventionGenetics, part of Exact Sciences
Classification: Uncertain significance for SEMA3C-related condition. Last evaluated: 2024-11-14. Review status: criteria provided, single submitter. Criteria: ACMG Guidelines, 2015. Collection method: clinical testing. Allele origin: germline.
Comment: The SEMA3C c.373G>A variant is predicted to result in the amino acid substitution p.Asp125Asn. To our knowledge, this variant has not been reported in the literature. This variant is reported in 0.026% of alleles in individuals of South Asian descent in gnomAD. At this time, the clinical significance of this variant is uncertain due to the absence of conclusive functional and genetic evidence.